The following is an entry in ClinVar:

ClinVar aggregate classification (germline): Uncertain significance. Review status: criteria provided, multiple submitters, no conflicts (2 of 4 stars). 2 submissions from 2 submitters: Uncertain significance (2). Last evaluated 2024-09-10.

Allele frequency attached by ClinVar (database versions not stated): ExAC 0.00001; TOPMed 0.00002; ESP Exome Variant Server 0.00008.
gnomAD v4.1: 59 of 1,613,574 alleles (0.0037%); highest among the groups gnomAD compares: Non-Finnish European, 0.0049%; no homozygotes.

Submissions (2):

Ambry Genetics
Classification: Uncertain significance. Last evaluated: 2024-09-10. Review status: criteria provided, single submitter. Criteria: Ambry Variant Classification Scheme 2023. Collection method: clinical testing. Allele origin: germline.

Labcorp Genetics (formerly Invitae), Labcorp
Classification: Uncertain significance. Last evaluated: 2024-02-16. Review status: criteria provided, single submitter. Criteria: Invitae Variant Classification Sherloc (09022015). Collection method: clinical testing. Allele origin: germline.
Comment: This sequence change replaces serine, which is neutral and polar, with tyrosine, which is neutral and polar, at codon 570 of the RUSC2 protein (p.Ser570Tyr). This variant is present in population databases (rs369478508, gnomAD 0.0009%). This variant has not been reported in the literature in individuals affected with RUSC2-related conditions. ClinVar contains an entry for this variant (Variation ID: 1365744). An algorithm developed to predict the effect of missense changes on protein structure and function (PolyPhen-2) suggests that this variant is likely to be disruptive. In summary, the available evidence is currently insufficient to determine the role of this variant in disease. Therefore, it has been classified as a Variant of Uncertain Significance.

NM_014806.5(RUSC2):c.1709C>A (p.Ser570Tyr)

Gene: RUSC2 (RUN and SH3 domain containing 2; plus strand). Cytogenetic location: 9p13.3.
Variant type: single nucleotide variant.
Coding change: c.1709C>A on transcript NM_014806.5 (MANE Select); coding-DNA position 1709, C replaced by A.
Protein change: p.Ser570Tyr; replaces serine 570 with tyrosine.
Molecular consequence: missense variant. On other transcripts: intron variant (1).
Genome position (GRCh38, 1-based): chr9:35,548,230, C>A. VCF-style: chr9-35548230-C-A. GRCh37 (hg19) VCF-style: chr9-35548227-C-A.
Other names: c.1709C>A, p.Ser570Tyr (NM_001135999.2); c.-620-6830C>A (NM_001330740.2); c.1709C>A (NM_001135999.1); short protein forms S570Y.
Identifiers: ClinVar variation 1365744 (VCV001365744.7), dbSNP rs369478508, ClinGen allele CA5043717.